The following is an entry in ClinVar:

NM_000038.6(APC):c.4419TGC[1] (p.Ala1475del)

Gene: APC (APC regulator of Wnt signaling pathway; plus strand). Cytogenetic location: 5q22.2.
Variant type: Microsatellite.
Coding change: c.4419TGC[1] on transcript NM_000038.6 (MANE Select); one copy of the 3-base unit TGC starting at c.4419; the reference has two copies in a row; one copy, 3 bases deleted.
Protein change: p.Ala1475del; deletes alanine 1475.
Molecular consequence: inframe deletion. On other transcripts: non-coding transcript variant (2).
Genome position (GRCh38, 1-based): chr5:112,840,016-112,840,018, TGC deleted; deleting any 3 consecutive bases within chr5:112,840,013-112,840,018 gives the same sequence; the position shown is the placement nearest the transcript's 3' end. VCF-style (leftmost placement, unchanged base first): chr5-112840012-ATGC-A. GRCh37 (hg19) VCF-style: chr5-112175709-ATGC-A.
Other names: c.4419TGC[1], p.Ala1475del (NM_001127510.3, NM_001354895.2, NM_001407450.1); c.4365TGC[1], p.Ala1457del (NM_001127511.3); c.4473TGC[1], p.Ala1493del (NM_001354896.2, NM_001407447.1, NM_001407448.1 and 1 more transcripts); c.4449TGC[1], p.Ala1485del (NM_001354897.2); c.4344TGC[1], p.Ala1450del (NM_001354898.2); c.4335TGC[1], p.Ala1447del (NM_001354899.2); c.4296TGC[1], p.Ala1434del (NM_001354900.2); c.4242TGC[1], p.Ala1416del (NM_001354901.2, NM_001407453.1); and 11 more; short protein forms A1091del, A1315del, A1346del, A1392del, A1416del, A1503del, A1349del, A1457del.
Identifiers: ClinVar variation 4593132 (VCV004593132.1).

ClinVar aggregate classification (germline): Uncertain significance (1 of 4 stars; one submission).

Conditions:
Hereditary cancer-predisposing syndrome. Also called: Neoplastic Syndromes, Hereditary; Tumor predisposition; Hereditary Cancer Syndrome; Hereditary neoplastic syndrome. Identifiers: Orphanet 140162, MedGen C0027672, MeSH D009386, MONDO:0015356.

Submission:

Ambry Genetics
Classification: Uncertain significance for Hereditary cancer-predisposing syndrome. Last evaluated: 2025-11-26. Review status: criteria provided, single submitter. Criteria: Ambry Variant Classification Scheme 2023. Collection method: clinical testing. Allele origin: germline.
Comment: The c.4422_4424delTGC variant (also known as p.A1475del) is located in coding exon 15 of the APC gene. This variant results from an in-frame TGC deletion at nucleotide positions 4422 to 4424. This results in the in-frame deletion of an alanine at codon 1475. This amino acid position is highly conserved in available vertebrate species. In addition, this variant is predicted to be neutral by in silico analysis (Choi Y et al. PLoS ONE. 2012; 7(10):e46688). Based on the available evidence, the clinical significance of this variant remains unclear.